The following is an entry in ClinVar:

NM_133642.5(LARGE1):c.787+14A>T

Gene: LARGE1 (LARGE xylosyl- and glucuronyltransferase 1; minus strand). Cytogenetic location: 22q12.3.
Variant type: single nucleotide variant.
Coding change: c.787+14A>T on transcript NM_133642.5 (MANE Select); 14 bases into the intron after coding-DNA position 787, A replaced by T.
Molecular consequence: intron variant.
Genome position (GRCh38, 1-based): chr22:33,564,834, T>A on the plus strand (A>T on the coding strand, the complement: LARGE1 is on the minus strand). VCF-style: chr22-33564834-T-A. GRCh37 (hg19) VCF-style: chr22-33960820-T-A.
Other names: c.787+14A>T (NM_001362951.2, NM_001378624.1, NM_001362953.2 and 7 more transcripts); c.184+14A>T (NM_001378631.1, NM_001378630.1).
Identifiers: ClinVar variation 390677 (VCV000390677.9), dbSNP rs776201139, ClinGen allele CA10202948.

ClinVar aggregate classification (germline): Likely benign. Review status: criteria provided, multiple submitters, no conflicts (2 of 4 stars). 2 submissions from 2 submitters: Likely benign (2). Last evaluated 2025-07-13.

Conditions:
Muscular dystrophy-dystroglycanopathy type B6 (MDDGB6). Also called: MUSCULAR DYSTROPHY-DYSTROGLYCANOPATHY (CONGENITAL WITH IMPAIRED INTELLECTUAL DEVELOPMENT), TYPE B, 6; MUSCULAR DYSTROPHY, CONGENITAL, LARGE-RELATED; MUSCULAR DYSTROPHY, CONGENITAL, TYPE 1D. Identifiers: MedGen C1837229, MONDO:0012138, OMIM 608840.

Allele frequency attached by ClinVar (database versions not stated): ExAC 0.00001; gnomAD 0.00001; gnomAD exomes 0.00001.
gnomAD v4.1: 18 of 1,613,876 alleles (0.0011%); highest among the groups gnomAD compares: African/African-American, 0.0027%; no homozygotes.

Submissions (2):

Labcorp Genetics (formerly Invitae), Labcorp
Classification: Likely benign for Muscular dystrophy-dystroglycanopathy type B6. Last evaluated: 2025-07-13. Review status: criteria provided, single submitter. Criteria: Invitae Variant Classification Sherloc (09022015). Collection method: clinical testing. Allele origin: germline.

GeneDx
Classification: Likely benign. Last evaluated: 2018-02-13. Review status: criteria provided, single submitter. Criteria: GeneDx Variant Classification (06012015). Collection method: clinical testing. Allele origin: germline. Affected: yes.
Comment: This variant is considered likely benign or benign based on one or more of the following criteria: it is a conservative change, it occurs at a poorly conserved position in the protein, it is predicted to be benign by multiple in silico algorithms, and/or has population frequency not consistent with disease.